The following is an entry in ClinVar:

ClinVar aggregate classification (germline): Likely benign. Review status: criteria provided, multiple submitters, no conflicts (2 of 4 stars). 3 submissions from 3 submitters: Likely benign (2). 1 of the submissions does not count toward it. Last evaluated 2021-11-24.

Conditions:
COL6A3-related disorder. Also called: COL6A3-related condition; COL6A3-related disorders.

Allele frequency attached by ClinVar (database versions not stated): ESP Exome Variant Server 0.00254; 1000 Genomes Project 0.00280; gnomAD 0.00291 and 0.00312; gnomAD exomes 0.00064; ExAC 0.00074; TOPMed 0.00294; 1000 Genomes Project 30x 0.00297.
gnomAD v4.1: 797 of 1,604,332 alleles (0.05%); highest among the groups gnomAD compares: African/African-American, 0.96%; 7 homozygotes.

Submissions (3):

GeneDx
Classification: Likely benign. Last evaluated: 2021-11-24. Review status: criteria provided, single submitter. Criteria: GeneDx Variant Classification Process June 2021. Collection method: clinical testing. Allele origin: germline. Affected: yes.
Comment: See Variant Classification Assertion Criteria.

Breakthrough Genomics
Classification: Likely benign. Review status: criteria provided, single submitter. Criteria: ACMG Guidelines, 2015. Collection method: not provided. Allele origin: germline. Inheritance: Autosomal recessive inheritance. Affected: yes.

PreventionGenetics, part of Exact Sciences
Classification: Benign for COL6A3-related condition. Last evaluated: 2020-03-03. Review status: no assertion criteria provided. Collection method: clinical testing. Allele origin: germline. Not counted in ClinVar's aggregate classification.
Comment: This variant is classified as benign based on ACMG/AMP sequence variant interpretation guidelines (Richards et al. 2015 PMID: 25741868, with internal and published modifications).

NM_004369.4(COL6A3):c.6754-37G>C

Gene: COL6A3 (collagen type VI alpha 3 chain; minus strand). Cytogenetic location: 2q37.3.
Variant type: single nucleotide variant.
Coding change: c.6754-37G>C on transcript NM_004369.4 (MANE Select); 37 bases into the intron before coding-DNA position 6754, G replaced by C.
Molecular consequence: intron variant.
Genome position (GRCh38, 1-based): chr2:237,351,229, C>G on the plus strand (G>C on the coding strand, the complement: COL6A3 is on the minus strand). VCF-style: chr2-237351229-C-G. GRCh37 (hg19) VCF-style: chr2-238259872-C-G.
Other names: c.6754-37G>C (NM_004369.3); c.4933-37G>C (NM_057166.5); c.6136-37G>C (NM_057167.4).
Identifiers: ClinVar variation 1687669 (VCV001687669.5), dbSNP rs113304682, ClinGen allele CA2188101.